The following is an entry in ClinVar:

ClinVar aggregate classification (germline): Uncertain significance (1 of 4 stars; one submission).

Conditions:
Familial thoracic aortic aneurysm and aortic dissection (TAAD). Also called: Thoracic aortic aneurysms and dissections. Identifiers: Orphanet 91387, MedGen C4707243, MONDO:0019625.

gnomAD v4.1: 1 of 1,614,006 alleles (0.000062%); highest among the groups gnomAD compares: Non-Finnish European, 0.000085%; no homozygotes.

Submission:

Color Diagnostics, LLC DBA Color Health
Classification: Uncertain significance for Familial thoracic aortic aneurysm and aortic dissection. Last evaluated: 2023-12-05. Review status: criteria provided, single submitter. Criteria: ACMG Guidelines, 2015. Collection method: clinical testing. Allele origin: germline.
Comment: This missense variant replaces glycine with aspartic acid at codon 304 of the ACTA2 protein. Computational prediction tools and conservation analyses suggest that this variant may have deleterious impact on the protein function. Computational splicing tools suggest that this variant may not impact RNA splicing. To our knowledge, functional assays have not been performed for this variant nor has this variant been reported in individuals affected with cardiovascular disorders in the literature. This variant has not been identified in the general population by the Genome Aggregation Database (gnomAD). Available evidence is insufficient to determine the role of this variant in disease conclusively. Therefore, this variant is classified as a Variant of Uncertain Significance.

NM_001613.4(ACTA2):c.911G>A (p.Gly304Asp)

Genes: ACTA2 (actin alpha 2, smooth muscle; minus strand), ACTA2-AS1 (ACTA2 antisense RNA 1; plus strand). Cytogenetic location: 10q23.31.
Variant type: single nucleotide variant.
Coding change: c.911G>A on transcript NM_001613.4 (MANE Select); coding-DNA position 911, G replaced by A.
Protein change: p.Gly304Asp; replaces glycine 304 with aspartic acid.
Molecular consequence: missense variant.
Genome position (GRCh38, 1-based): chr10:88,938,140, C>T on the plus strand (G>A on the coding strand, the complement: ACTA2 is on the minus strand). VCF-style: chr10-88938140-C-T. GRCh37 (hg19) VCF-style: chr10-90697897-C-T.
Other names: c.911G>A, p.Gly304Asp (NM_001141945.3, NM_001320855.2, NM_001406462.1 and 2 more transcripts); c.800G>A, p.Gly267Asp (NM_001406466.1); c.782G>A, p.Gly261Asp (NM_001406467.1, NM_001406468.1, NM_001406469.1); c.719G>A, p.Gly240Asp (NM_001406471.1); short protein forms G304D, G261D, G240D, G267D.
Identifiers: ClinVar variation 923558 (VCV000923558.7), dbSNP rs1845779514, ClinGen allele CA377510808.